The following is an entry in ClinVar:

ClinVar aggregate classification (germline): Uncertain significance. Review status: criteria provided, multiple submitters, no conflicts (2 of 4 stars). 2 submissions from 2 submitters: Uncertain significance (2). Last evaluated 2022-07-11.

Conditions:
Specific granule deficiency. Identifiers: Orphanet 169142, MedGen C0398593, MONDO:0009506.
Inborn genetic diseases. Identifiers: MedGen C0950123, MeSH D030342.

Allele frequency attached by ClinVar (database versions not stated): gnomAD 0.00002.

Submissions (2):

Labcorp Genetics (formerly Invitae), Labcorp
Classification: Uncertain significance for Specific granule deficiency. Last evaluated: 2022-07-11. Review status: criteria provided, single submitter. Criteria: Invitae Variant Classification Sherloc (09022015). Collection method: clinical testing. Allele origin: germline.
Comment: In summary, the available evidence is currently insufficient to determine the role of this variant in disease. Therefore, it has been classified as a Variant of Uncertain Significance. Algorithms developed to predict the effect of missense changes on protein structure and function output the following: SIFT: "Tolerated"; PolyPhen-2: "Benign"; Align-GVGD: "Class C0". The asparagine amino acid residue is found in multiple mammalian species, which suggests that this missense change does not adversely affect protein function. This variant has not been reported in the literature in individuals affected with CEBPE-related conditions. This variant is present in population databases (no rsID available, gnomAD 0.01%). This sequence change replaces serine, which is neutral and polar, with asparagine, which is neutral and polar, at codon 112 of the CEBPE protein (p.Ser112Asn).

Ambry Genetics
Classification: Uncertain significance for Inborn genetic diseases. Last evaluated: 2022-06-29. Review status: criteria provided, single submitter. Criteria: Ambry Variant Classification Scheme 2023. Collection method: clinical testing. Allele origin: germline.

NM_001805.4(CEBPE):c.335G>A (p.Ser112Asn)

Gene: CEBPE (CCAAT enhancer binding protein epsilon; minus strand). Cytogenetic location: 14q11.2.
Variant type: single nucleotide variant.
Coding change: c.335G>A on transcript NM_001805.4 (MANE Select); coding-DNA position 335, G replaced by A.
Protein change: p.Ser112Asn; replaces serine 112 with asparagine.
Molecular consequence: missense variant.
Genome position (GRCh38, 1-based): chr14:23,118,757, C>T on the plus strand (G>A on the coding strand, the complement: CEBPE is on the minus strand). VCF-style: chr14-23118757-C-T. GRCh37 (hg19) VCF-style: chr14-23587966-C-T.
Other names: short protein forms S112N.
Identifiers: ClinVar variation 1924443 (VCV001924443.6), dbSNP rs911185885, ClinGen allele CA388953261.